The following is an entry in ClinVar:

ClinVar aggregate classification (germline): Uncertain significance. Review status: criteria provided, multiple submitters, no conflicts (2 of 4 stars). 3 submissions from 3 submitters: Uncertain significance (3). Last evaluated 2026-01-23.

Conditions:
Granulomatous disease, chronic, autosomal recessive, cytochrome b-positive, type 2. Also called: Chronic Granulomatous Disease, Autosomal Recessive, Cytochrome b-Positive, Type II; GRANULOMATOUS DISEASE, CHRONIC, DUE TO NCF2 DEFICIENCY; CGD, AUTOSOMAL RECESSIVE CYTOCHROME b-POSITIVE, TYPE II; GRANULOMATOUS DISEASE, CHRONIC, AUTOSOMAL RECESSIVE, 2; Chronic granulomatous disease due to deficiency of NCF-2. Identifiers: Orphanet 379, MedGen C1856245, MONDO:0009310, OMIM 233710.

Allele frequency attached by ClinVar (database versions not stated): gnomAD 0.00007 and 0.00006; gnomAD exomes 0.00007 and 0.00017; TOPMed 0.00007; ESP Exome Variant Server 0.00015; 1000 Genomes Project 30x 0.00016; ExAC 0.00005; 1000 Genomes Project 0.00020.
gnomAD v4.1: 257 of 1,614,030 alleles (0.016%); highest among the groups gnomAD compares: Non-Finnish European, 0.02%; no homozygotes.

Submissions (3):

Women's Health and Genetics/Laboratory Corporation of America, LabCorp
Classification: Uncertain significance. Last evaluated: 2026-01-23. Review status: criteria provided, single submitter. Criteria: LabCorp Variant Classification Summary - May 2015. Collection method: clinical testing. Allele origin: germline.

Blueprint Genetics
Classification: Uncertain significance. Last evaluated: 2024-06-18. Review status: criteria provided, single submitter. Criteria: ACMG Guidelines, 2015. Collection method: clinical testing. Allele origin: germline.

Labcorp Genetics (formerly Invitae), Labcorp
Classification: Uncertain significance for Granulomatous disease, chronic, autosomal recessive, cytochrome b-positive, type 2. Last evaluated: 2022-09-01. Review status: criteria provided, single submitter. Criteria: Invitae Variant Classification Sherloc (09022015). Collection method: clinical testing. Allele origin: germline.
Comment: This sequence change replaces proline, which is neutral and non-polar, with leucine, which is neutral and non-polar, at codon 231 of the NCF2 protein (p.Pro231Leu). This variant is present in population databases (rs144451516, gnomAD 0.01%). This variant has not been reported in the literature in individuals affected with NCF2-related conditions. ClinVar contains an entry for this variant (Variation ID: 660978). Algorithms developed to predict the effect of missense changes on protein structure and function are either unavailable or do not agree on the potential impact of this missense change (SIFT: "Deleterious"; PolyPhen-2: "Benign"; Align-GVGD: "Class C65"). In summary, the available evidence is currently insufficient to determine the role of this variant in disease. Therefore, it has been classified as a Variant of Uncertain Significance.

NM_000433.4(NCF2):c.692C>T (p.Pro231Leu)

Gene: NCF2 (neutrophil cytosolic factor 2; minus strand). Cytogenetic location: 1q25.3.
Variant type: single nucleotide variant.
Coding change: c.692C>T on transcript NM_000433.4 (MANE Select); coding-DNA position 692, C replaced by T.
Protein change: p.Pro231Leu; replaces proline 231 with leucine.
Molecular consequence: missense variant.
Genome position (GRCh38, 1-based): chr1:183,569,163, G>A on the plus strand (C>T on the coding strand, the complement: NCF2 is on the minus strand). VCF-style: chr1-183569163-G-A. GRCh37 (hg19) VCF-style: chr1-183538298-G-A.
Other names: c.692C>T, p.Pro231Leu (NM_001127651.3); c.449C>T, p.Pro150Leu (NM_001190789.2); c.557C>T, p.Pro186Leu (NM_001190794.2); short protein forms P150L, P186L, P231L.
Identifiers: ClinVar variation 660978 (VCV000660978.10), dbSNP rs144451516, ClinGen allele CA1284861.